The following is an entry in ClinVar:

NM_138694.4(PKHD1):c.5100C>T (p.Thr1700=)

Genes: PKHD1 (PKHD1 ciliary IPT domain containing fibrocystin/polyductin; minus strand), LOC126859690 (MED14-independent group 3 enhancer GRCh37_chr6:51888848-51890047; plus strand). Cytogenetic location: 6p12.2.
Variant type: single nucleotide variant.
Coding change: c.5100C>T on transcript NM_138694.4 (MANE Select); coding-DNA position 5100, C replaced by T.
Protein change: p.Thr1700=; no amino-acid change (threonine 1700 retained).
Molecular consequence: synonymous variant.
Genome position (GRCh38, 1-based): chr6:52,024,710, G>A on the plus strand (C>T on the coding strand, the complement: PKHD1 is on the minus strand). VCF-style: chr6-52024710-G-A. GRCh37 (hg19) VCF-style: chr6-51889508-G-A.
Other names: p.Thr1700=; c.5100C>T, p.Thr1700= (NM_170724.3).
Identifiers: ClinVar variation 196804 (VCV000196804.27), dbSNP rs143717242, ClinGen allele CA244187.
Genomic context (GRCh38, chr6:52,024,710, plus strand): 5'-GTCATAGCCTCTGACGTGGTACTCCCCGGCCGGAAGGGAAGGGACCACGCACTGAAGAAC[G>A]GTGTGGTTACCAGAGACACCCACACAGGGTGACATTCCTATAAAAATGTCAATGTTTGCA-3'
Protein context (NP_619639.3, residues 1690-1710): SPCVGVSGNH[Thr1700=]VLQCVVPSLP

ClinVar aggregate classification (germline): Benign/Likely benign. Review status: criteria provided, multiple submitters, no conflicts (2 of 4 stars). 8 submissions from 8 submitters: Benign (1); Likely benign (6). 1 of the submissions does not count toward it. Last evaluated 2026-01-28.

Conditions:
Polycystic kidney disease 4 (PKD4). Also called: Autosomal Recessive Polycystic Kidney Disease – PKHD1; POLYCYSTIC KIDNEY AND HEPATIC DISEASE 1; POLYCYSTIC KIDNEY DISEASE, INFANTILE, TYPE I; PKD3; POLYCYSTIC KIDNEY DISEASE 4 WITH OR WITHOUT POLYCYSTIC LIVER DISEASE. Identifiers: MedGen C4540575, MONDO:0033004, OMIM 263200.
Autosomal recessive polycystic kidney disease (ARPKD). Also called: AR polycystic kidney disease. Identifiers: Orphanet 731, Orphanet 8378, MedGen C0085548, MeSH D017044, MONDO:0009889.

Allele frequency attached by ClinVar (database versions not stated): gnomAD exomes 0.00018 and 0.00046; ExAC 0.00054; 1000 Genomes Project 0.00080; 1000 Genomes Project 30x 0.00094; gnomAD 0.00159 and 0.00178; TOPMed 0.00177; ESP Exome Variant Server 0.00254.
gnomAD v4.1: 510 of 1,614,134 alleles (0.032%); highest among the groups gnomAD compares: African/African-American, 0.61%; 1 homozygote.

Submissions (8):

Labcorp Genetics (formerly Invitae), Labcorp
Classification: Benign for Autosomal recessive polycystic kidney disease. Last evaluated: 2026-01-28. Review status: criteria provided, single submitter. Criteria: Invitae Variant Classification Sherloc (09022015). Collection method: clinical testing. Allele origin: germline.

Mayo Clinic Laboratories, Mayo Clinic
Classification: Likely benign. Last evaluated: 2025-07-15. Review status: criteria provided, single submitter. Criteria: ACMG Guidelines, 2015. Collection method: clinical testing. Allele origin: germline. Observed: 1 variant allele.
Comment: BS1, BP4, BP7

Blueprint Genetics
Classification: Likely benign. Last evaluated: 2024-10-16. Review status: criteria provided, single submitter. Criteria: ACMG Guidelines, 2015. Collection method: clinical testing. Allele origin: germline.

Department of Pathology and Laboratory Medicine, Sinai Health System
Classification: Likely benign for Polycystic kidney disease 4. Last evaluated: 2022-04-29. Review status: criteria provided, single submitter. Criteria: ACMG Guidelines, 2015. Collection method: clinical testing. Allele origin: germline. Affected: yes.

Women's Health and Genetics/Laboratory Corporation of America, LabCorp
Classification: Likely benign. Last evaluated: 2021-07-02. Review status: criteria provided, single submitter. Criteria: LabCorp Variant Classification Summary - May 2015. Collection method: clinical testing. Allele origin: germline.

GeneDx
Classification: Likely benign. Last evaluated: 2021-04-05. Review status: criteria provided, single submitter. Criteria: GeneDx Variant Classification Process June 2021. Collection method: clinical testing. Allele origin: germline. Affected: yes.

Eurofins Ntd Llc (ga)
Classification: Likely benign. Last evaluated: 2017-04-17. Review status: criteria provided, single submitter. Criteria: EGL Classification Definitions 2015. Collection method: clinical testing. Allele origin: germline. Observed: 6 variant alleles, 5 heterozygotes, 1 homozygote.

Natera, Inc.
Classification: Likely benign for Autosomal recessive polycystic kidney disease. Last evaluated: 2017-11-16. Review status: no assertion criteria provided. Collection method: clinical testing. Allele origin: germline. Not counted in ClinVar's aggregate classification.